The following is an entry in ClinVar:

NM_001042492.3(NF1):c.1260+1608A>G

Gene: NF1 (neurofibromin 1; plus strand). Cytogenetic location: 17q11.2.
Variant type: single nucleotide variant.
Coding change: c.1260+1608A>G on transcript NM_001042492.3 (MANE Select); 1608 bases into the intron after coding-DNA position 1260, A replaced by G.
Molecular consequence: intron variant.
Genome position (GRCh38, 1-based): chr17:31,203,093, A>G. VCF-style: chr17-31203093-A-G. GRCh37 (hg19) VCF-style: chr17-29530111-A-G.
Other names: c.1260+1608A>G (NM_000267.4, NM_001128147.3).
Identifiers: ClinVar variation 3032478 (VCV003032478.3), dbSNP rs1231522559, ClinGen allele CA625467620.

ClinVar aggregate classification (germline): Likely benign. Review status: criteria provided, single submitter (1 of 4 stars). 2 submissions from 2 submitters: Likely benign (1). 1 of the submissions does not count toward it. Last evaluated 2021-05-03.

Conditions:
NF1-related disorder. Also called: NF1-related condition. Identifiers: MedGen CN379171.

Allele frequency attached by ClinVar (database versions not stated): TOPMed 0.00002.

Submissions (2):

Blueprint Genetics
Classification: Likely benign. Last evaluated: 2021-05-03. Review status: criteria provided, single submitter. Criteria: ACMG Guidelines, 2015. Collection method: clinical testing. Allele origin: germline.

PreventionGenetics, part of Exact Sciences
Classification: Likely benign for NF1-related condition. Last evaluated: 2020-09-29. Review status: no assertion criteria provided. Collection method: clinical testing. Allele origin: germline. Not counted in ClinVar's aggregate classification.
Comment: This variant is classified as likely benign based on ACMG/AMP sequence variant interpretation guidelines (Richards et al. 2015 PMID: 25741868, with internal and published modifications).